The following is an entry in ClinVar:

ClinVar aggregate classification (germline): Uncertain significance (1 of 4 stars; one submission).

Allele frequency attached by ClinVar (database versions not stated): gnomAD exomes below 0.00001; ExAC 0.00001; ESP Exome Variant Server 0.00008.
gnomAD v4.1: 1 of 1,614,160 alleles (0.000062%); highest among the groups gnomAD compares: Non-Finnish European, 0.000085%; no homozygotes.

Submission:

Labcorp Genetics (formerly Invitae), Labcorp
Classification: Uncertain significance. Last evaluated: 2022-03-31. Review status: criteria provided, single submitter. Criteria: Invitae Variant Classification Sherloc (09022015). Collection method: clinical testing. Allele origin: germline.
Comment: This sequence change replaces valine, which is neutral and non-polar, with methionine, which is neutral and non-polar, at codon 184 of the RTN4IP1 protein (p.Val184Met). This variant is present in population databases (rs144356263, gnomAD 0.0009%). This variant has not been reported in the literature in individuals affected with RTN4IP1-related conditions. ClinVar contains an entry for this variant (Variation ID: 954932). Algorithms developed to predict the effect of missense changes on protein structure and function are either unavailable or do not agree on the potential impact of this missense change (SIFT: "Deleterious"; PolyPhen-2: "Probably Damaging"; Align-GVGD: "Class C0"). In summary, the available evidence is currently insufficient to determine the role of this variant in disease. Therefore, it has been classified as a Variant of Uncertain Significance.

NM_032730.5(RTN4IP1):c.550G>A (p.Val184Met)

Gene: RTN4IP1 (reticulon 4 interacting protein 1; minus strand). Cytogenetic location: 6q21.
Variant type: single nucleotide variant.
Coding change: c.550G>A on transcript NM_032730.5 (MANE Select); coding-DNA position 550, G replaced by A.
Protein change: p.Val184Met; replaces valine 184 with methionine.
Molecular consequence: missense variant.
Genome position (GRCh38, 1-based): chr6:106,619,272, C>T on the plus strand (G>A on the coding strand, the complement: RTN4IP1 is on the minus strand). VCF-style: chr6-106619272-C-T. GRCh37 (hg19) VCF-style: chr6-107067147-C-T.
Other names: c.250G>A, p.Val84Met (NM_001318746.1); short protein forms V184M, V84M.
Identifiers: ClinVar variation 954932 (VCV000954932.9), dbSNP rs144356263, ClinGen allele CA3944457.